The following is an entry in ClinVar:

ClinVar aggregate classification (germline): Pathogenic (1 of 4 stars; one submission).

Submission:

Labcorp Genetics (formerly Invitae), Labcorp
Classification: Pathogenic. Last evaluated: 2023-05-21. Review status: criteria provided, single submitter. Criteria: Invitae Variant Classification Sherloc (09022015). Collection method: clinical testing. Allele origin: germline.
Comment: For these reasons, this variant has been classified as Pathogenic. This variant has not been reported in the literature in individuals affected with KDM5A-related conditions. This variant is not present in population databases (gnomAD no frequency). This sequence change creates a premature translational stop signal (p.Tyr9Leufs*15) in the KDM5A gene. It is expected to result in an absent or disrupted protein product. Loss-of-function variants in KDM5A are known to be pathogenic (PMID: 33350388).

Literature cited by the submitters: PubMed 33350388.

NM_001042603.3(KDM5A):c.23dup (p.Tyr9fs)

Gene: KDM5A (lysine demethylase 5A; minus strand). Cytogenetic location: 12p13.33.
Variant type: Duplication.
Coding change: c.23dup on transcript NM_001042603.3 (MANE Select); coding-DNA position 23, one base duplicated (G; older notation c.23dupG).
Protein change: p.Tyr9fs; shifts the reading frame from tyrosine 9.
Molecular consequence: frameshift variant.
Genome position (GRCh38, 1-based): chr12:389,069, C duplicated on the plus strand (G on the coding strand, the reverse complement: KDM5A is on the minus strand); the first of 6 consecutive C bases (chr12:389,069-389,074); duplicating any one gives the same sequence. VCF-style (leftmost placement, unchanged base first): chr12-389068-G-GC. GRCh37 (hg19) VCF-style: chr12-498234-G-GC.
Other names: short protein forms Y9fs.
Identifiers: ClinVar variation 2866731 (VCV002866731.3), dbSNP rs1944690574, ClinGen allele CA943920987.